The following is an entry in ClinVar:

ClinVar aggregate classification (germline): Conflicting classifications of pathogenicity. Review status: criteria provided, conflicting classifications (1 of 4 stars). 3 submissions from 3 submitters: Uncertain significance (2); Likely benign (1). Last evaluated 2025-08-24.

Conditions:
Charcot-Marie-Tooth disease type 2. Also called: Charcot-Marie-Tooth type 2. Identifiers: Orphanet 64746, MedGen C0270914, MONDO:0018993.

Allele frequency attached by ClinVar (database versions not stated): 1000 Genomes Project 0.00060; ExAC 0.00009; gnomAD exomes 0.00003 and 0.00009; TOPMed below 0.00001; gnomAD 0.00001 and 0.00003; 1000 Genomes Project 30x 0.00047.
gnomAD v4.1: 51 of 1,613,504 alleles (0.0032%); highest among the groups gnomAD compares: South Asian, 0.035%; 1 homozygote.

Submissions (3):

Labcorp Genetics (formerly Invitae), Labcorp
Classification: Uncertain significance for Charcot-Marie-Tooth disease type 2. Last evaluated: 2025-08-24. Review status: criteria provided, single submitter. Criteria: Invitae Variant Classification Sherloc (09022015). Collection method: clinical testing. Allele origin: germline.
Comment: This sequence change replaces methionine, which is neutral and non-polar, with isoleucine, which is neutral and non-polar, at codon 281 of the GARS protein (p.Met281Ile). This variant is present in population databases (rs545669679, gnomAD 0.06%). This variant has not been reported in the literature in individuals affected with GARS-related conditions. ClinVar contains an entry for this variant (Variation ID: 804828). Invitae Evidence Modeling of protein sequence and biophysical properties (such as structural, functional, and spatial information, amino acid conservation, physicochemical variation, residue mobility, and thermodynamic stability) has been performed for this missense variant. However, the output from this modeling did not meet the statistical confidence thresholds required to predict the impact of this variant on GARS protein function. In summary, the available evidence is currently insufficient to determine the role of this variant in disease. Therefore, it has been classified as a Variant of Uncertain Significance.

Ambry Genetics
Classification: Uncertain significance. Last evaluated: 2021-09-16. Review status: criteria provided, single submitter. Criteria: Ambry Variant Classification Scheme 2023. Collection method: clinical testing. Allele origin: germline.
Comment: The p.M281I variant (also known as c.843G>A), located in coding exon 7 of the GARS gene, results from a G to A substitution at nucleotide position 843. The methionine at codon 281 is replaced by isoleucine, an amino acid with highly similar properties. This amino acid position is conserved. In addition, this alteration is predicted to be deleterious by in silico analysis. Since supporting evidence is limited at this time, the clinical significance of this alteration remains unclear.

Athena Diagnostics
Classification: Likely benign. Last evaluated: 2018-11-27. Review status: criteria provided, single submitter. Criteria: Athena Diagnostics Criteria. Collection method: clinical testing. Allele origin: germline.

NM_002047.4(GARS1):c.843G>A (p.Met281Ile)

Gene: GARS1 (glycyl-tRNA synthetase 1; plus strand). Cytogenetic location: 7p14.3.
Variant type: single nucleotide variant.
Coding change: c.843G>A on transcript NM_002047.4 (MANE Select); coding-DNA position 843, G replaced by A.
Protein change: p.Met281Ile; replaces methionine 281 with isoleucine.
Molecular consequence: missense variant.
Genome position (GRCh38, 1-based): chr7:30,609,692, G>A. VCF-style: chr7-30609692-G-A. GRCh37 (hg19) VCF-style: chr7-30649308-G-A.
Other names: c.681G>A, p.Met227Ile (NM_001316772.1); short protein forms M281I, M227I.
Identifiers: ClinVar variation 804828 (VCV000804828.10), dbSNP rs545669679, ClinGen allele CA4205835.